The following is an entry in ClinVar:

ClinVar aggregate classification (germline): Likely benign (1 of 4 stars; one submission).

gnomAD v4.1: 2 of 1,463,614 alleles (0.00014%); highest among the groups gnomAD compares: South Asian, 0.0027%; no homozygotes.

Submission:

GeneDx
Classification: Likely benign. Last evaluated: 2018-02-27. Review status: criteria provided, single submitter. Criteria: GeneDx Variant Classification (06012015). Collection method: clinical testing. Allele origin: germline. Affected: yes.
Comment: This variant is considered likely benign or benign based on one or more of the following criteria: it is a conservative change, it occurs at a poorly conserved position in the protein, it is predicted to be benign by multiple in silico algorithms, and/or has population frequency not consistent with disease.

NM_019892.6(INPP5E):c.33C>T (p.Ser11=)

Gene: INPP5E (inositol polyphosphate-5-phosphatase E; minus strand). Cytogenetic location: 9q34.3.
Variant type: single nucleotide variant.
Coding change: c.33C>T on transcript NM_019892.6 (MANE Select); coding-DNA position 33, C replaced by T.
Protein change: p.Ser11=; no amino-acid change (serine 11 retained).
Molecular consequence: synonymous variant.
Genome position (GRCh38, 1-based): chr9:136,439,387, G>A on the plus strand (C>T on the coding strand, the complement: INPP5E is on the minus strand). VCF-style: chr9-136439387-G-A. GRCh37 (hg19) VCF-style: chr9-139333839-G-A.
Other names: c.33C>T, p.Ser11= (NM_001318502.2).
Identifiers: ClinVar variation 517105 (VCV000517105.1), dbSNP rs79161998, ClinGen allele CA467722871.